The following is an entry in ClinVar:

ClinVar aggregate classification (germline): Likely benign (1 of 4 stars; one submission).

Allele frequency attached by ClinVar (database versions not stated): gnomAD exomes 0.00001 and 0.00002; ExAC 0.00004.
gnomAD v4.1: 12 of 1,612,420 alleles (0.00074%); highest among the groups gnomAD compares: East Asian, 0.0045%; no homozygotes.

Submission:

GeneDx
Classification: Likely benign. Last evaluated: 2016-09-30. Review status: criteria provided, single submitter. Criteria: GeneDx Variant Classification (06012015). Collection method: clinical testing. Allele origin: germline. Affected: yes.
Comment: This variant is considered likely benign or benign based on one or more of the following criteria: it is a conservative change, it occurs at a poorly conserved position in the protein, it is predicted to be benign by multiple in silico algorithms, and/or has population frequency not consistent with disease.

NM_002485.5(NBN):c.-21C>T

Gene: NBN (nibrin; minus strand). Cytogenetic location: 8q21.3.
Variant type: single nucleotide variant.
Coding change: c.-21C>T on transcript NM_002485.5 (MANE Select); 21 bases upstream of the start codon, C replaced by T.
Molecular consequence: 5 prime UTR variant.
Genome position (GRCh38, 1-based): chr8:89,984,582, G>A on the plus strand (C>T on the coding strand, the complement: NBN is on the minus strand). VCF-style: chr8-89984582-G-A. GRCh37 (hg19) VCF-style: chr8-90996810-G-A.
Other names: c.-317C>T (NM_001024688.3).
Identifiers: ClinVar variation 389809 (VCV000389809.1), dbSNP rs746164250, ClinGen allele CA4803124.
Genomic context (GRCh38, chr8:89,984,582, plus strand): 5'-TACCTCCTGCCGGGCCCGCGGCGGGCAGCAGTTTCCACATCGGTCCGGCTCCTCAGGGCT[G>A]GGGCCGACGTGCAACCGCGTAACCGGGGCTGCTAGACGAGCGCGGATACGGCGCCTGCGG-3'